The following is an entry in ClinVar:

ClinVar aggregate classification (germline): Uncertain significance (1 of 4 stars; one submission).

Submission:

Women's Health and Genetics/Laboratory Corporation of America, LabCorp
Classification: Uncertain significance. Last evaluated: 2018-12-26. Review status: criteria provided, single submitter. Criteria: LabCorp Variant Classification Summary - May 2015. Collection method: clinical testing. Allele origin: germline.
Comment: Variant summary: MYH6 c.3331A>G (p.Lys1111Glu) results in a conservative amino acid change located in the Myosin tail domain of the encoded protein sequence. Four of five in-silico tools predict a damaging effect of the variant on protein function. The variant was absent in 246268 control chromosomes (gnomAD). The available data on variant occurrences in the general population are insufficient to allow any conclusion about variant significance. To our knowledge, no occurrence of c.3331A>G in individuals affected with Cardiomyopathy and no experimental evidence demonstrating its impact on protein function have been reported. No clinical diagnostic laboratories have submitted clinical-significance assessments for this variant to ClinVar after 2014. Based on the evidence outlined above, the variant was classified as uncertain significance.

NM_002471.4(MYH6):c.3331A>G (p.Lys1111Glu)

Gene: MYH6 (myosin heavy chain 6; minus strand). Cytogenetic location: 14q11.2.
Variant type: single nucleotide variant.
Coding change: c.3331A>G on transcript NM_002471.4 (MANE Select); coding-DNA position 3331, A replaced by G.
Protein change: p.Lys1111Glu; replaces lysine 1111 with glutamic acid.
Molecular consequence: missense variant.
Genome position (GRCh38, 1-based): chr14:23,392,573, T>C on the plus strand (A>G on the coding strand, the complement: MYH6 is on the minus strand). VCF-style: chr14-23392573-T-C. GRCh37 (hg19) VCF-style: chr14-23861782-T-C.
Other names: short protein forms K1111E.
Identifiers: ClinVar variation 633329 (VCV000633329.1), dbSNP rs1566509397, ClinGen allele CA389007043.